The following is an entry in ClinVar:

ClinVar aggregate classification (germline): Uncertain significance (1 of 4 stars; one submission).

Submission:

Ambry Genetics
Classification: Uncertain significance. Last evaluated: 2023-11-15. Review status: criteria provided, single submitter. Criteria: Ambry Variant Classification Scheme 2023. Collection method: clinical testing. Allele origin: germline.
Comment: The p.E640* variant (also known as c.1918G>T), located in coding exon 19 of the KIF1B gene, results from a G to T substitution at nucleotide position 1918. This changes the amino acid from a glutamic acid to a stop codon within coding exon 19. This alteration is expected to result in loss of function by premature protein truncation or nonsense-mediated mRNA decay. The evidence for this gene-disease relationship is limited; therefore, the clinical significance of this alteration is unclear.

NM_001365951.3(KIF1B):c.2056G>T (p.Glu686Ter)

Gene: KIF1B (kinesin family member 1B; plus strand). Cytogenetic location: 1p36.22.
Variant type: single nucleotide variant.
Coding change: c.2056G>T on transcript NM_001365951.3 (MANE Select); coding-DNA position 2056, G replaced by T.
Protein change: p.Glu686Ter; replaces glutamic acid 686 with a stop codon.
Molecular consequence: nonsense.
Genome position (GRCh38, 1-based): chr1:10,297,187, G>T. VCF-style: chr1-10297187-G-T. GRCh37 (hg19) VCF-style: chr1-10357245-G-T.
Other names: c.2056G>T, p.Glu686Ter (NM_001365952.1); c.1918G>T, p.Glu640Ter (NM_001365953.1, NM_015074.3, NM_183416.4); short protein forms E640*, E686*.
Identifiers: ClinVar variation 3226376 (VCV003226376.1), dbSNP rs2521404420, ClinGen allele CA338317760.
Genomic context (GRCh38, chr1:10,297,187, plus strand): 5'-TAATACTAATAGCATTCTTGAATTTTTTTTTTTTTTTTTACTTCTAGGCTACAGGAAATG[G>T]AGATCTTATACAAAAAGGAGAAGGAAGAAGCAGATCTTCTTTTGGAGCAGCAGAGACTGG-3'